The following is an entry in ClinVar:

ClinVar aggregate classification (germline): Uncertain significance (1 of 4 stars; one submission).

Conditions:
Autosomal dominant hypocalcemia 1 (HYPOC1). Also called: HYPOCALCEMIA, FAMILIAL. Identifiers: MedGen C3715128, MONDO:0011013, OMIM 601198.
Familial hypocalciuric hypercalcemia (FHH). Also called: Familial benign hypercalcemia. Identifiers: Orphanet 405, MedGen C1809471, MONDO:0018458.

Allele frequency attached by ClinVar (database versions not stated): gnomAD exomes below 0.00001.
gnomAD v4.1: 2 of 1,614,218 alleles (0.00012%); highest among the groups gnomAD compares: East Asian, 0.0045%; no homozygotes.

Submission:

Labcorp Genetics (formerly Invitae), Labcorp
Classification: Uncertain significance for Familial hypocalciuric hypercalcemia; Autosomal dominant hypocalcemia 1. Last evaluated: 2021-12-24. Review status: criteria provided, single submitter. Criteria: Invitae Variant Classification Sherloc (09022015). Collection method: clinical testing. Allele origin: germline.
Comment: This sequence change replaces serine, which is neutral and polar, with glycine, which is neutral and non-polar, at codon 402 of the CASR protein (p.Ser402Gly). This variant is not present in population databases (gnomAD no frequency). This variant has not been reported in the literature in individuals affected with CASR-related conditions. Algorithms developed to predict the effect of missense changes on protein structure and function are either unavailable or do not agree on the potential impact of this missense change (SIFT: "Deleterious"; PolyPhen-2: "Benign"; Align-GVGD: "Class C0"). In summary, the available evidence is currently insufficient to determine the role of this variant in disease. Therefore, it has been classified as a Variant of Uncertain Significance.

NM_000388.4(CASR):c.1204A>G (p.Ser402Gly)

Gene: CASR (calcium sensing receptor; plus strand). Cytogenetic location: 3q21.1.
Variant type: single nucleotide variant.
Coding change: c.1204A>G on transcript NM_000388.4 (MANE Select); coding-DNA position 1204, A replaced by G.
Protein change: p.Ser402Gly; replaces serine 402 with glycine.
Molecular consequence: missense variant.
Genome position (GRCh38, 1-based): chr3:122,262,239, A>G. VCF-style: chr3-122262239-A-G. GRCh37 (hg19) VCF-style: chr3-121981086-A-G.
Other names: c.1204A>G, p.Ser402Gly (NM_001178065.2); short protein forms S402G.
Identifiers: ClinVar variation 2052767 (VCV002052767.4), dbSNP rs2473228506, ClinGen allele CA354152813.